The following is an entry in ClinVar:

NM_001102564.3(IFT43):c.296-5618C>G

Gene: IFT43 (intraflagellar transport 43; plus strand). Cytogenetic location: 14q24.3.
Variant type: single nucleotide variant.
Coding change: c.296-5618C>G on transcript NM_001102564.3 (MANE Select); 5618 bases into the intron before coding-DNA position 296, C replaced by G.
Molecular consequence: intron variant. On other transcripts: nonsense (1).
Genome position (GRCh38, 1-based): chr14:76,076,677, C>G. VCF-style: chr14-76076677-C-G. GRCh37 (hg19) VCF-style: chr14-76543020-C-G.
Other names: c.296C>G, p.Ser99Ter (NM_052873.3); short protein forms S99*.
Identifiers: ClinVar variation 4714720 (VCV004714720.1).
Genomic context (GRCh38, chr14:76,076,677, plus strand): 5'-AACAGCTGGATCTGAACGCATGCTATCACAAAACGCATCACAGAGATTTGGGGCTGGCTT[C>G]ATTGGAAGAGGCAGGTAGGCTTTTGACTGTCAGTCTACGGGAACTGAAAAGGATCCTTCT-3'

ClinVar aggregate classification (germline): Pathogenic (1 of 4 stars; one submission).

Submission:

Labcorp Genetics (formerly Invitae), Labcorp
Classification: Pathogenic. Last evaluated: 2025-09-29. Review status: criteria provided, single submitter. Criteria: Invitae Variant Classification Sherloc (09022015). Collection method: clinical testing. Allele origin: germline.
Comment: This sequence change creates a premature translational stop signal (p.Ser99*) in the IFT43 gene. It is expected to result in an absent or disrupted protein product. Loss-of-function variants in IFT43 are known to be pathogenic (PMID: 21378380, 28400947). This variant is not present in population databases (gnomAD no frequency). This variant has not been reported in the literature in individuals affected with IFT43-related conditions. Algorithms developed to predict the effect of sequence changes on RNA splicing suggest that this variant may disrupt the consensus splice site. For these reasons, this variant has been classified as Pathogenic.

Literature cited by the submitters: PubMed 21378380; PubMed 28400947.